The following is an entry in ClinVar:

Single allele

Genes: AHCYL1 (adenosylhomocysteinase like 1; plus strand), AKNAD1 (AKNA domain containing 1; minus strand), ALX3 (ALX homeobox 3; minus strand), AMIGO1 (adhesion molecule with Ig like domain 1; minus strand), AMPD2 (adenosine monophosphate deaminase 2; plus strand) and 47 more. Cytogenetic location: 1p13.3.
Variant type: Deletion.
Identifiers: ClinVar variation 635280 (VCV000635280.3).

ClinVar aggregate classification (germline): Likely pathogenic (1 of 4 stars; one submission).

Conditions:
1p13.3 deletion syndrome.

Submission:

Undiagnosed Diseases Network, NIH
Classification: Likely pathogenic for 1p13.3 deletion syndrome. Last evaluated: 2019-06-06. Review status: criteria provided, single submitter. Criteria: ACMG Guidelines, 2015. Collection method: clinical testing. Allele origin: unknown. Affected: yes. Observed: 1 variant allele, 1 heterozygote. Study: Undiagnosed Diseases Network (NIH), UDN.
Comment: Both loss- and gain-of-function mutations in the KCNA2 gene cause early infantile epileptic encephalopathy-32 (EIEE-32; # 616366) (Allen, et al. Epilepsia. 2016 Jan;57(1):e12-7.). EIEE causes severe epilepsy with variable types of seizures, and neurological deficits, including intellectual disability, and delay of psychomotor and language development. Ataxia, tremor, and myoclonus have also been associated with EIEE. Mutations in SLC25A24 have been associated with Gorlin-Chaudhry-Moss syndrome and Fontaine progeroid syndrome (FPS, OMIM #612289), which have overlapping clinical features. Several studies suggest that the SLC25A24 mutations for these indiviudals induce a gain of function. Mutations of GNAI3 have been identified in patients with auriculocondylar syndrome-1 (ARCND1 or ACS, OMIM #602483), and it is thought that ACS is not caused by GNAI3 haploinsufficiency. For both of these disorders, whole gene deletions would not be expected to result in the same mechanism or clinical features of these disorders. Additionally, six genes are associated with autosomal recessive conditions, for which this deletion likely infers a carrier status. Chudley-McCullough syndrome (CMCS; #604213) is caused by homozygous or compound heterozygous mutation in the GPSM2 gene, while autosomal recessive mental retardation-60 (MRT60; # 617432) and autosomal recessive mental retardation-48 (MRT48; #616269) are caused by mutations in the TAF13 and SLC6A17 genes, respectively. Pontocerebellar hypoplasia type 9 (PCH9; #615809) is caused by mutations in both copies of the AMPD2 gene and frontonasal dysplasia-1 (FND1; OMIM #136760), are caused by mutations in both copies of the ALX3 gene.